The following is an entry in ClinVar:

ClinVar aggregate classification (germline): Uncertain significance (1 of 4 stars; one submission).

Conditions:
Neuronal ceroid lipofuscinosis. Also called: Neuronal Ceroid Lipofuscinoses. Identifiers: Orphanet 216, Orphanet 79263, MedGen C0027877, MONDO:0016295. Disease mechanism: loss of function.

Allele frequency attached by ClinVar (database versions not stated): gnomAD exomes below 0.00001; TOPMed below 0.00001.
gnomAD v4.1: 7 of 1,614,126 alleles (0.00043%); highest among the groups gnomAD compares: East Asian, 0.0045%; no homozygotes.

Submission:

Labcorp Genetics (formerly Invitae), Labcorp
Classification: Uncertain significance for Neuronal ceroid lipofuscinosis. Last evaluated: 2022-02-06. Review status: criteria provided, single submitter. Criteria: Invitae Variant Classification Sherloc (09022015). Collection method: clinical testing. Allele origin: germline.
Comment: This sequence change replaces aspartic acid, which is acidic and polar, with asparagine, which is neutral and polar, at codon 196 of the CTSD protein (p.Asp196Asn). This variant is present in population databases (no rsID available, gnomAD 0.003%). This variant has not been reported in the literature in individuals affected with CTSD-related conditions. ClinVar contains an entry for this variant (Variation ID: 1000209). Algorithms developed to predict the effect of missense changes on protein structure and function are either unavailable or do not agree on the potential impact of this missense change (SIFT: "Deleterious"; PolyPhen-2: "Probably Damaging"; Align-GVGD: "Class C0"). In summary, the available evidence is currently insufficient to determine the role of this variant in disease. Therefore, it has been classified as a Variant of Uncertain Significance.

NM_001909.5(CTSD):c.586G>A (p.Asp196Asn)

Gene: CTSD (cathepsin D; minus strand). Cytogenetic location: 11p15.5.
Variant type: single nucleotide variant.
Coding change: c.586G>A on transcript NM_001909.5 (MANE Select); coding-DNA position 586, G replaced by A.
Protein change: p.Asp196Asn; replaces aspartic acid 196 with asparagine.
Molecular consequence: missense variant.
Genome position (GRCh38, 1-based): chr11:1,757,442, C>T on the plus strand (G>A on the coding strand, the complement: CTSD is on the minus strand). VCF-style: chr11-1757442-C-T. GRCh37 (hg19) VCF-style: chr11-1778672-C-T.
Other names: short protein forms D196N.
Identifiers: ClinVar variation 1000209 (VCV001000209.6), dbSNP rs1388675826, ClinGen allele CA379096072.